The following is an entry in ClinVar:

NM_018718.3(CEP41):c.33+235A>G

Gene: CEP41 (centrosomal protein 41; minus strand). Cytogenetic location: 7q32.2.
Variant type: single nucleotide variant.
Coding change: c.33+235A>G on transcript NM_018718.3 (MANE Select); 235 bases into the intron after coding-DNA position 33, A replaced by G.
Molecular consequence: intron variant.
Genome position (GRCh38, 1-based): chr7:130,440,699, T>C on the plus strand (A>G on the coding strand, the complement: CEP41 is on the minus strand). VCF-style: chr7-130440699-T-C. GRCh37 (hg19) VCF-style: chr7-130080540-T-C.
Other names: c.33+235A>G (NM_001257159.2, NM_001257158.2, NM_001257160.2).
Identifiers: ClinVar variation 678331 (VCV000678331.2), dbSNP rs7784361, ClinGen allele CA16315102.

ClinVar aggregate classification (germline): Benign. Review status: criteria provided, multiple submitters, no conflicts (2 of 4 stars). 2 submissions from 2 submitters: Benign (2). Last evaluated 2018-06-14.

Allele frequency attached by ClinVar (database versions not stated): gnomAD exomes 0.03070; 1000 Genomes Project 0.08167; gnomAD 0.08441 and 0.08931; 1000 Genomes Project 30x 0.08620; TOPMed 0.09054.
gnomAD v4.1: 27,048 of 605,274 alleles (4.5%); highest among the groups gnomAD compares: African/African-American, 22%; 1,638 homozygotes.

Submissions (2):

GeneDx
Classification: Benign. Last evaluated: 2018-06-14. Review status: criteria provided, single submitter. Criteria: GeneDx Variant Classification (06012015). Collection method: clinical testing. Allele origin: germline. Affected: yes.
Comment: This variant is considered likely benign or benign based on one or more of the following criteria: it is a conservative change, it occurs at a poorly conserved position in the protein, it is predicted to be benign by multiple in silico algorithms, and/or has population frequency not consistent with disease.

Breakthrough Genomics
Classification: Benign. Review status: criteria provided, single submitter. Criteria: ACMG Guidelines, 2015. Collection method: not provided. Allele origin: germline. Inheritance: Autosomal recessive inheritance. Affected: yes.